The following is an entry in ClinVar:

ClinVar aggregate classification (germline): Likely pathogenic (1 of 4 stars; one submission).

Conditions:
Combined oxidative phosphorylation defect type 14. Also called: Combined oxidative phosphorylation deficiency 14. Identifiers: Orphanet 319519, MedGen C4755312, MONDO:0013986, OMIM 614946.

gnomAD v4.1: 1 of 1,612,870 alleles (0.000062%); highest among the groups gnomAD compares: Non-Finnish European, 0.000085%; no homozygotes.

Submission:

Labcorp Genetics (formerly Invitae), Labcorp
Classification: Likely pathogenic for Combined oxidative phosphorylation defect type 14. Last evaluated: 2025-03-03. Review status: criteria provided, single submitter. Criteria: Invitae Variant Classification Sherloc (09022015). Collection method: clinical testing. Allele origin: germline.
Comment: This sequence change replaces phenylalanine, which is neutral and non-polar, with serine, which is neutral and polar, at codon 402 of the FARS2 protein (p.Phe402Ser). This variant is not present in population databases (gnomAD no frequency). This missense change has been observed in individual(s) with clinical features of autosomal recessive developmental and epileptic encephalopathy (PMID: 31329004). In at least one individual the data is consistent with being in trans (on the opposite chromosome) from a pathogenic variant. Invitae Evidence Modeling of protein sequence and biophysical properties (such as structural, functional, and spatial information, amino acid conservation, physicochemical variation, residue mobility, and thermodynamic stability) indicates that this missense variant is expected to disrupt FARS2 protein function with a positive predictive value of 95%. In summary, the currently available evidence indicates that the variant is pathogenic, but additional data are needed to prove that conclusively. Therefore, this variant has been classified as Likely Pathogenic.

Literature cited by the submitters: PubMed 31329004.

NM_006567.5(FARS2):c.1205T>C (p.Phe402Ser)

Gene: FARS2 (phenylalanyl-tRNA synthetase 2, mitochondrial; plus strand). Cytogenetic location: 6p25.1.
Variant type: single nucleotide variant.
Coding change: c.1205T>C on transcript NM_006567.5 (MANE Select); coding-DNA position 1205, T replaced by C.
Protein change: p.Phe402Ser; replaces phenylalanine 402 with serine.
Molecular consequence: missense variant.
Genome position (GRCh38, 1-based): chr6:5,613,308, T>C. VCF-style: chr6-5613308-T-C. GRCh37 (hg19) VCF-style: chr6-5613541-T-C.
Other names: c.1205T>C, p.Phe402Ser (NM_001318872.2, NM_001374875.1, NM_001374876.1 and 4 more transcripts); c.1073T>C, p.Phe358Ser (NM_001375258.1); c.509T>C, p.Phe170Ser (NM_001375259.1, NM_001375260.1); short protein forms F358S, F170S, F402S.
Identifiers: ClinVar variation 4750124 (VCV004750124.1).
Genomic context (GRCh38, chr6:5,613,308, plus strand): 5'-ATGACTTAGTCCGAACAATTGGAGGAGACCTGGTGGAAAAGGTTGATCTCATAGACAAGT[T>C]TGTACATCCAAAGTAAGTGAAAAGCTTTCTGATTTTACCCTTGACTATCTCTGTGTGATA-3'
Protein context (NP_006558.1, residues 392-412): LVEKVDLIDK[Phe402Ser]VHPKTHKTSH